The following is an entry in ClinVar:

NM_001365276.2(TNXB):c.1927A>G (p.Thr643Ala)

Gene: TNXB (tenascin XB; minus strand). Cytogenetic location: 6p21.33.
Variant type: single nucleotide variant.
Coding change: c.1927A>G on transcript NM_001365276.2 (MANE Select); coding-DNA position 1927, A replaced by G.
Protein change: p.Thr643Ala; replaces threonine 643 with alanine.
Molecular consequence: missense variant.
Genome position (GRCh38, 1-based): chr6:32,095,926, T>C on the plus strand (A>G on the coding strand, the complement: TNXB is on the minus strand). VCF-style: chr6-32095926-T-C. GRCh37 (hg19) VCF-style: chr6-32063703-T-C.
Other names: p.Thr643Ala; c.1927A>G, p.Thr643Ala (NM_019105.8); short protein forms T643A.
Identifiers: ClinVar variation 1207902 (VCV001207902.13), dbSNP rs201703963, ClinGen allele CA3735594.

ClinVar aggregate classification (germline): Conflicting classifications of pathogenicity. Review status: criteria provided, conflicting classifications (1 of 4 stars). 6 submissions from 6 submitters: Uncertain significance (1); Benign (1); Likely benign (3). 1 of the submissions does not count toward it. Last evaluated 2026-01-31.

Conditions:
TNXB-related disorder. Also called: TNXB-related condition.
Cardiovascular phenotype. Identifiers: MedGen CN230736.

Allele frequency attached by ClinVar (database versions not stated): gnomAD exomes 0.00049; ExAC 0.00059; 1000 Genomes Project 0.00100; 1000 Genomes Project 30x 0.00141; ESP Exome Variant Server 0.00205; TOPMed 0.00217.
gnomAD v4.1: 514 of 1,612,806 alleles (0.032%); highest among the groups gnomAD compares: African/African-American, 0.5%; 4 homozygotes.

Submissions (6):

Labcorp Genetics (formerly Invitae), Labcorp
Classification: Benign. Last evaluated: 2026-01-31. Review status: criteria provided, single submitter. Criteria: Invitae Variant Classification Sherloc (09022015). Collection method: clinical testing. Allele origin: germline.

Women's Health and Genetics/Laboratory Corporation of America, LabCorp
Classification: Likely benign. Last evaluated: 2025-10-30. Review status: criteria provided, single submitter. Criteria: LabCorp Variant Classification Summary - May 2015. Collection method: clinical testing. Allele origin: germline.
Comment: Variant summary: TNXB c.1927A>G (p.Thr643Ala) results in a non-conservative amino acid change in the encoded protein sequence. Algorithms developed to predict the effect of missense changes on protein structure and function are either unavailable or do not agree on the potential impact of this missense change. The variant allele was found at a frequency of 0.00049 in 239670 control chromosomes, predominantly at a frequency of 0.0054 within the African or African-American subpopulation in the gnomAD database, including 2 homozygotes. The observed variant frequency within African or African-American control individuals in the gnomAD database exceeds the estimated maximal expected allele frequency for disease-causing variants in TNXB. To our knowledge, no occurrence of c.1927A>G in individuals affected with TNXB-related conditions and no experimental evidence demonstrating its impact on protein function have been reported. ClinVar contains an entry for this variant (Variation ID: 1207902). Based on the evidence outlined above, the variant was classified as likely benign.

Mayo Clinic Laboratories, Mayo Clinic
Classification: Likely benign. Last evaluated: 2025-07-31. Review status: criteria provided, single submitter. Criteria: ACMG Guidelines, 2015. Collection method: clinical testing. Allele origin: germline. Observed: 2 variant alleles.
Comment: BS1, BP4_moderate

Ambry Genetics
Classification: Uncertain significance for Cardiovascular phenotype. Last evaluated: 2025-04-12. Review status: criteria provided, single submitter. Criteria: Ambry Variant Classification Scheme 2023. Collection method: clinical testing. Allele origin: germline.

GeneDx
Classification: Likely benign. Last evaluated: 2022-08-13. Review status: criteria provided, single submitter. Criteria: GeneDx Variant Classification Process June 2021. Collection method: clinical testing. Allele origin: germline. Affected: yes.
Comment: See Variant Classification Assertion Criteria.

PreventionGenetics, part of Exact Sciences
Classification: Benign for TNXB-related condition. Last evaluated: 2019-09-13. Review status: no assertion criteria provided. Collection method: clinical testing. Allele origin: germline. Not counted in ClinVar's aggregate classification.
Comment: This variant is classified as benign based on ACMG/AMP sequence variant interpretation guidelines (Richards et al. 2015 PMID: 25741868, with internal and published modifications).